The following is an entry in ClinVar:

NM_003079.5(SMARCE1):c.823G>A (p.Gly275Ser)

Gene: SMARCE1 (SWI/SNF related BAF chromatin remodeling complex subunit E1; minus strand). Cytogenetic location: 17q21.2.
Variant type: single nucleotide variant.
Coding change: c.823G>A on transcript NM_003079.5 (MANE Select); coding-DNA position 823, G replaced by A.
Protein change: p.Gly275Ser; replaces glycine 275 with serine.
Molecular consequence: missense variant.
Genome position (GRCh38, 1-based): chr17:40,630,918, C>T on the plus strand (G>A on the coding strand, the complement: SMARCE1 is on the minus strand). VCF-style: chr17-40630918-C-T. GRCh37 (hg19) VCF-style: chr17-38787170-C-T.
Other names: short protein forms G275S.
Identifiers: ClinVar variation 532246 (VCV000532246.17), dbSNP rs745448272, ClinGen allele CA8545151.
Genomic context (GRCh38, chr17:40,630,918, plus strand): 5'-GTTCCTCTGCCTGTGCAATCTCAGCTGCAATTTTCTCCATATCCACTTCTACTTTCAGAC[C>T]GCACAACTAATCAGAAAAAAACAGAACTCCGTAATGTTTTTTCCTTATAATTTTTGAGCC-3'
Protein context (NP_003070.3, residues 265-285): SFNNELKRLC[Gly275Ser]LKVEVDMEKI

ClinVar aggregate classification (germline): Conflicting classifications of pathogenicity. Review status: criteria provided, conflicting classifications (1 of 4 stars). 5 submissions from 5 submitters: Uncertain significance (4); Likely benign (1). Last evaluated 2026-01-27.

Conditions:
Hereditary cancer-predisposing syndrome. Also called: Hereditary neoplastic syndrome; Neoplastic Syndromes, Hereditary; Tumor predisposition; Hereditary Cancer Syndrome. Identifiers: Orphanet 140162, MedGen C0027672, MeSH D009386, MONDO:0015356.
Familial meningioma. Also called: Meningioma, familial, susceptibility to. Identifiers: Orphanet 263662, MedGen C3551915, MONDO:0011789, OMIM 607174.
SMARCE1-related disorder. Also called: SMARCE1-related condition.
Coffin-Siris syndrome 5 (CSS5). Identifiers: Orphanet 1465, MedGen C4310788, MONDO:0014838, OMIM 616938.

Allele frequency attached by ClinVar (database versions not stated): TOPMed 0.00003; gnomAD 0.00004; gnomAD exomes 0.00004 and 0.00006; ExAC 0.00006.

Submissions (5):

Labcorp Genetics (formerly Invitae), Labcorp
Classification: Uncertain significance for Familial meningioma. Last evaluated: 2026-01-27. Review status: criteria provided, single submitter. Criteria: Invitae Variant Classification Sherloc (09022015). Collection method: clinical testing. Allele origin: germline.
Comment: This sequence change replaces glycine, which is neutral and non-polar, with serine, which is neutral and polar, at codon 275 of the SMARCE1 protein (p.Gly275Ser). This variant is present in population databases (rs745448272, gnomAD 0.01%). This variant has not been reported in the literature in individuals affected with SMARCE1-related conditions. ClinVar contains an entry for this variant (Variation ID: 532246). An algorithm developed to predict the effect of missense changes on protein structure and function outputs the following: PolyPhen-2: "Benign". The serine amino acid residue is found in multiple mammalian species, which suggests that this missense change does not adversely affect protein function. In summary, the available evidence is currently insufficient to determine the role of this variant in disease. Therefore, it has been classified as a Variant of Uncertain Significance.

Fulgent Genetics
Classification: Uncertain significance for Familial meningioma; Coffin-Siris syndrome 5. Last evaluated: 2024-04-02. Review status: criteria provided, single submitter. Criteria: ACMG Guidelines, 2015. Collection method: clinical testing. Allele origin: germline.

PreventionGenetics, part of Exact Sciences
Classification: Uncertain significance for SMARCE1-related condition. Last evaluated: 2023-10-04. Review status: criteria provided, single submitter. Criteria: ACMG Guidelines, 2015. Collection method: clinical testing. Allele origin: germline.
Comment: The SMARCE1 c.823G>A variant is predicted to result in the amino acid substitution p.Gly275Ser. To our knowledge, this variant has not been reported in the literature. This variant is reported in 0.0098% of alleles in individuals of South Asian descent in gnomAD, and it has conflicting classifications in ClinVar including uncertain significance and likely benign. At this time, the clinical significance of this variant is uncertain due to the absence of conclusive functional and genetic evidence.

Baylor Genetics
Classification: Uncertain significance for Familial meningioma. Last evaluated: 2023-09-28. Review status: criteria provided, single submitter. Criteria: ACMG Guidelines, 2015. Collection method: clinical testing. Allele origin: unknown.

Ambry Genetics
Classification: Likely benign for Hereditary cancer-predisposing syndrome. Last evaluated: 2021-06-29. Review status: criteria provided, single submitter. Criteria: Ambry Variant Classification Scheme 2023. Collection method: clinical testing. Allele origin: germline.